The following is an entry in ClinVar:

ClinVar aggregate classification (germline): Uncertain significance (1 of 4 stars; one submission).

Conditions:
Cardiovascular phenotype. Identifiers: MedGen CN230736.
Hereditary cancer-predisposing syndrome. Also called: Neoplastic Syndromes, Hereditary; Tumor predisposition; Hereditary Cancer Syndrome; Hereditary neoplastic syndrome. Identifiers: Orphanet 140162, MedGen C0027672, MeSH D009386, MONDO:0015356.

Submission:

Ambry Genetics
Classification: Uncertain significance for Cardiovascular phenotype; Hereditary cancer-predisposing syndrome. Last evaluated: 2025-10-07. Review status: criteria provided, single submitter. Criteria: Ambry Variant Classification Scheme 2023. Collection method: clinical testing. Allele origin: germline.
Comment: The p.E1529Q variant (also known as c.4585G>C), located in coding exon 34 of the NF1 gene, results from a G to C substitution at nucleotide position 4585. The glutamic acid at codon 1529 is replaced by glutamine, an amino acid with highly similar properties. This amino acid position is conserved. In addition, the in silico prediction for this alteration is inconclusive. Based on the available evidence, the clinical significance of this variant remains unclear.

NM_001042492.3(NF1):c.4648G>C (p.Glu1550Gln)

Gene: NF1 (neurofibromin 1; plus strand). Cytogenetic location: 17q11.2.
Variant type: single nucleotide variant.
Coding change: c.4648G>C on transcript NM_001042492.3 (MANE Select); coding-DNA position 4648, G replaced by C.
Protein change: p.Glu1550Gln; replaces glutamic acid 1550 with glutamine.
Molecular consequence: missense variant.
Genome position (GRCh38, 1-based): chr17:31,261,781, G>C. VCF-style: chr17-31261781-G-C. GRCh37 (hg19) VCF-style: chr17-29588799-G-C.
Other names: c.4585G>C, p.Glu1529Gln (NM_000267.4); short protein forms E1529Q, E1550Q.
Identifiers: ClinVar variation 4615733 (VCV004615733.1).